The following is an entry in ClinVar:

NM_007098.4(CLTCL1):c.4633C>T (p.Arg1545Trp)

Gene: CLTCL1 (clathrin heavy chain like 1; minus strand). Cytogenetic location: 22q11.21.
Variant type: single nucleotide variant.
Coding change: c.4633C>T on transcript NM_007098.4 (MANE Select); coding-DNA position 4633, C replaced by T.
Protein change: p.Arg1545Trp; replaces arginine 1545 with tryptophan.
Molecular consequence: missense variant.
Genome position (GRCh38, 1-based): chr22:19,183,584, G>A on the plus strand (C>T on the coding strand, the complement: CLTCL1 is on the minus strand). VCF-style: chr22-19183584-G-A. GRCh37 (hg19) VCF-style: chr22-19171097-G-A.
Other names: p.Arg1545Trp; c.4462C>T, p.Arg1488Trp (NM_001835.4); short protein forms R1488W, R1545W.
Identifiers: ClinVar variation 4542420 (VCV004542420.1).

ClinVar aggregate classification (germline): Uncertain significance (1 of 4 stars; one submission).

gnomAD v4.1: 29 of 1,613,520 alleles (0.0018%); highest among the groups gnomAD compares: Middle Eastern, 0.033%; no homozygotes.

Submission:

Mayo Clinic Laboratories, Mayo Clinic
Classification: Uncertain significance. Last evaluated: 2025-08-19. Review status: criteria provided, single submitter. Criteria: ACMG Guidelines, 2015. Collection method: clinical testing. Allele origin: germline. Observed: 1 variant allele.
Comment: BP4_moderate, PM2_supporting